The following is an entry in ClinVar:

ClinVar aggregate classification (germline): Pathogenic/Likely pathogenic. Review status: criteria provided, multiple submitters, no conflicts (2 of 4 stars). 2 submissions from 2 submitters: Pathogenic (1); Likely pathogenic (1). Last evaluated 2024-02-06.

Conditions:
BBS5-related disorder. Also called: BBS5-related condition.
Bardet-Biedl syndrome (BBS). Identifiers: Orphanet 110, MedGen C0752166, MONDO:0015229.

Allele frequency attached by ClinVar (database versions not stated): gnomAD exomes 0.00002; ExAC 0.00004.
gnomAD v4.1: 13 of 1,614,152 alleles (0.00081%); highest among the groups gnomAD compares: Non-Finnish European, 0.001%; no homozygotes.

Submissions (2):

Labcorp Genetics (formerly Invitae), Labcorp
Classification: Pathogenic for Bardet-Biedl syndrome. Last evaluated: 2024-02-06. Review status: criteria provided, single submitter. Criteria: Invitae Variant Classification Sherloc (09022015). Collection method: clinical testing. Allele origin: germline.
Comment: This sequence change creates a premature translational stop signal (p.Gln20*) in the BBS5 gene. It is expected to result in an absent or disrupted protein product. Loss-of-function variants in BBS5 are known to be pathogenic (PMID: 15137946, 16877420, 26325687, 27708425, 28041643, 29806606). This variant is present in population databases (rs772852905, gnomAD 0.005%). This variant has not been reported in the literature in individuals affected with BBS5-related conditions. Algorithms developed to predict the effect of sequence changes on RNA splicing suggest that this variant may disrupt the consensus splice site. For these reasons, this variant has been classified as Pathogenic.

Blueprint Genetics
Classification: Likely pathogenic for BBS5-related disorders. Last evaluated: 2022-07-12. Review status: criteria provided, single submitter. Criteria: ACMG Guidelines, 2015. Collection method: clinical testing. Allele origin: germline. Affected: yes. Observed: 1 variant allele.

Literature cited by the submitters: PubMed 15137946 (cited by Labcorp Genetics (formerly Invitae), Labcorp); PubMed 16877420 (cited by Labcorp Genetics (formerly Invitae), Labcorp); PubMed 26325687 (cited by Labcorp Genetics (formerly Invitae), Labcorp); PubMed 27708425 (cited by Labcorp Genetics (formerly Invitae), Labcorp); PubMed 28041643 (cited by Labcorp Genetics (formerly Invitae), Labcorp); PubMed 29806606 (cited by Labcorp Genetics (formerly Invitae), Labcorp).

NM_152384.3(BBS5):c.58C>T (p.Gln20Ter)

Genes: BBS5 (Bardet-Biedl syndrome 5; plus strand), LOC129935068 (ATAC-STARR-seq lymphoblastoid active region 16738; plus strand). Cytogenetic location: 2q31.1.
Variant type: single nucleotide variant.
Coding change: c.58C>T on transcript NM_152384.3 (MANE Select); coding-DNA position 58, C replaced by T.
Protein change: p.Gln20Ter; replaces glutamine 20 with a stop codon.
Molecular consequence: nonsense.
Genome position (GRCh38, 1-based): chr2:169,479,611, C>T. VCF-style: chr2-169479611-C-T. GRCh37 (hg19) VCF-style: chr2-170336121-C-T.
Other names: short protein forms Q20*.
Identifiers: ClinVar variation 2726311 (VCV002726311.4), dbSNP rs772852905, ClinGen allele CA1956082.